The following is an entry in ClinVar:

NM_004422.3(DVL2):c.332C>T (p.Ala111Val)

Genes: DVL2 (dishevelled segment polarity protein 2; minus strand), LOC126862480 (CDK7 strongly-dependent group 2 enhancer GRCh37_chr17:7132793-7133992; plus strand). Cytogenetic location: 17p13.1.
Variant type: single nucleotide variant.
Coding change: c.332C>T on transcript NM_004422.3 (MANE Select); coding-DNA position 332, C replaced by T.
Protein change: p.Ala111Val; replaces alanine 111 with valine.
Molecular consequence: missense variant.
Genome position (GRCh38, 1-based): chr17:7,230,363, G>A on the plus strand (C>T on the coding strand, the complement: DVL2 is on the minus strand). VCF-style: chr17-7230363-G-A. GRCh37 (hg19) VCF-style: chr17-7133682-G-A.
Other names: short protein forms A111V.
Identifiers: ClinVar variation 3057425 (VCV003057425.2), dbSNP rs371764720, ClinGen allele CA8339013.

ClinVar aggregate classification (germline): Likely benign (0 of 4 stars; one submission).

Conditions:
DVL2-related disorder. Also called: DVL2-related condition.

Allele frequency attached by ClinVar (database versions not stated): ESP Exome Variant Server 0.00015; TOPMed 0.00015; gnomAD 0.00023; gnomAD exomes 0.00035; ExAC 0.00041; 1000 Genomes Project 30x 0.00094; 1000 Genomes Project 0.00100.
gnomAD v4.1: 546 of 1,614,152 alleles (0.034%); highest among the groups gnomAD compares: South Asian, 0.28%; 4 homozygotes.

Submission:

PreventionGenetics, part of Exact Sciences
Classification: Likely benign for DVL2-related condition. Last evaluated: 2022-12-28. Review status: no assertion criteria provided. Collection method: clinical testing. Allele origin: germline.
Comment: This variant is classified as likely benign based on ACMG/AMP sequence variant interpretation guidelines (Richards et al. 2015 PMID: 25741868, with internal and published modifications).